The following is an entry in ClinVar:

ClinVar aggregate classification (germline): Uncertain significance. Review status: criteria provided, multiple submitters, no conflicts (2 of 4 stars). 4 submissions from 4 submitters: Uncertain significance (4). Last evaluated 2026-02-22.

Conditions:
Myofibrillar myopathy 5. Also called: Filaminopathy (type); FILAMINOPATHY, AUTOSOMAL DOMINANT. Identifiers: Orphanet 171445, MedGen C1836050, MONDO:0012289, OMIM 609524.
Hypertrophic cardiomyopathy 26. Also called: Cardiomyopathy, familial hypertrophic, 26. Identifiers: Orphanet 75249, MedGen C4310749, MONDO:0014883, OMIM 617047.
Distal myopathy with posterior leg and anterior hand involvement. Also called: WILLIAMS DISTAL MYOPATHY. Identifiers: Orphanet 63273, MedGen C3279722, MONDO:0013550, OMIM 614065.
FLNC-related disorder. Also called: FLNC-related disorders; FLNC-related condition.
Cardiovascular phenotype. Identifiers: MedGen CN230736.

gnomAD v4.1: 2 of 1,613,890 alleles (0.00012%); highest among the groups gnomAD compares: African/African-American, 0.0013%; no homozygotes.

Submissions (4):

Ambry Genetics
Classification: Uncertain significance for Cardiovascular phenotype. Last evaluated: 2026-02-22. Review status: criteria provided, single submitter. Criteria: Ambry Variant Classification Scheme 2023. Collection method: clinical testing. Allele origin: germline.
Comment: The p.S927Y variant (also known as c.2780C>A), located in coding exon 18 of the FLNC gene, results from a C to A substitution at nucleotide position 2780. The serine at codon 927 is replaced by tyrosine, an amino acid with dissimilar properties. This amino acid position is conserved. In addition, this alteration is predicted to be deleterious by in silico analysis. Based on the available evidence, the clinical significance of this variant remains unclear.

PreventionGenetics, part of Exact Sciences
Classification: Uncertain significance for FLNC-related condition. Last evaluated: 2024-12-06. Review status: criteria provided, single submitter. Criteria: ACMG Guidelines, 2015. Collection method: clinical testing. Allele origin: germline.
Comment: The FLNC c.2780C>A variant is predicted to result in the amino acid substitution p.Ser927Tyr. To our knowledge, this variant has not been reported in the literature or in a large population database (gnomAD), indicating this variant is rare. At this time, the clinical significance of this variant is uncertain due to the absence of conclusive functional and genetic evidence.

GeneDx
Classification: Uncertain significance. Last evaluated: 2024-03-26. Review status: criteria provided, single submitter. Criteria: GeneDx Variant Classification Process June 2021. Collection method: clinical testing. Allele origin: germline. Affected: yes.
Comment: Has not been previously published as pathogenic or benign to our knowledge; Not observed at significant frequency in large population cohorts (gnomAD); In silico analysis supports that this missense variant has a deleterious effect on protein structure/function

Labcorp Genetics (formerly Invitae), Labcorp
Classification: Uncertain significance for Distal myopathy with posterior leg and anterior hand involvement; Myofibrillar myopathy 5; Hypertrophic cardiomyopathy 26. Last evaluated: 2023-07-28. Review status: criteria provided, single submitter. Criteria: Invitae Variant Classification Sherloc (09022015). Collection method: clinical testing. Allele origin: germline.
Comment: This sequence change replaces serine, which is neutral and polar, with tyrosine, which is neutral and polar, at codon 927 of the FLNC protein (p.Ser927Tyr). This variant is not present in population databases (gnomAD no frequency). This variant has not been reported in the literature in individuals affected with FLNC-related conditions. ClinVar contains an entry for this variant (Variation ID: 1024220). Advanced modeling of protein sequence and biophysical properties (such as structural, functional, and spatial information, amino acid conservation, physicochemical variation, residue mobility, and thermodynamic stability) has been performed at Invitae for this missense variant, however the output from this modeling did not meet the statistical confidence thresholds required to predict the impact of this variant on FLNC protein function. In summary, the available evidence is currently insufficient to determine the role of this variant in disease. Therefore, it has been classified as a Variant of Uncertain Significance.

NM_001458.5(FLNC):c.2780C>A (p.Ser927Tyr)

Gene: FLNC (filamin C; plus strand). Cytogenetic location: 7q32.1.
Variant type: single nucleotide variant.
Coding change: c.2780C>A on transcript NM_001458.5 (MANE Select); coding-DNA position 2780, C replaced by A.
Protein change: p.Ser927Tyr; replaces serine 927 with tyrosine.
Molecular consequence: missense variant.
Genome position (GRCh38, 1-based): chr7:128,843,546, C>A. VCF-style: chr7-128843546-C-A. GRCh37 (hg19) VCF-style: chr7-128483600-C-A.
Other names: c.2780C>A, p.Ser927Tyr (NM_001127487.2); c.2780C>A (NM_001458.4); short protein forms S927Y.
Identifiers: ClinVar variation 1024220 (VCV001024220.14), dbSNP rs1585158690, ClinGen allele CA369193253.